The following is an entry in ClinVar:

ClinVar aggregate classification (germline): Uncertain significance. Review status: criteria provided, single submitter (1 of 4 stars). 2 submissions from 2 submitters: Uncertain significance (1). 1 of the submissions does not count toward it. Last evaluated 2018-06-11.

Conditions:
CYP7A1-related disorder. Also called: CYP7A1-related condition.

Allele frequency attached by ClinVar (database versions not stated): ExAC 0.00001; gnomAD 0.00001; gnomAD exomes 0.00001 and 0.00003; TOPMed 0.00002; 1000 Genomes Project 30x 0.00016; 1000 Genomes Project 0.00020.
gnomAD v4.1: 15 of 1,612,980 alleles (0.00093%); highest among the groups gnomAD compares: Admixed American, 0.012%; no homozygotes.

Submissions (2):

Eurofins Ntd Llc (ga)
Classification: Uncertain significance. Last evaluated: 2018-06-11. Review status: criteria provided, single submitter. Criteria: EGL ClinVar v180209 classification definitions. Collection method: clinical testing. Allele origin: germline. Observed: 1 variant allele, 1 heterozygote.

PreventionGenetics, part of Exact Sciences
Classification: Uncertain significance for CYP7A1-related condition. Last evaluated: 2024-02-13. Review status: no assertion criteria provided. Collection method: clinical testing. Allele origin: germline. Not counted in ClinVar's aggregate classification.
Comment: The CYP7A1 c.25G>A variant is predicted to result in the amino acid substitution p.Gly9Arg. To our knowledge, this variant has not been reported in the literature. This variant is reported in 0.020% of alleles in individuals of Latino descent in gnomAD. At this time, the clinical significance of this variant is uncertain due to the absence of conclusive functional and genetic evidence.

NM_000780.4(CYP7A1):c.25G>A (p.Gly9Arg)

Genes: CYP7A1 (cytochrome P450 family 7 subfamily A member 1; minus strand), LOC110596866 (CYP7A1 5' regulatory region; plus strand). Cytogenetic location: 8q12.1.
Variant type: single nucleotide variant.
Coding change: c.25G>A on transcript NM_000780.4 (MANE Select); coding-DNA position 25, G replaced by A.
Protein change: p.Gly9Arg; replaces glycine 9 with arginine.
Molecular consequence: missense variant.
Genome position (GRCh38, 1-based): chr8:58,500,074, C>T on the plus strand (G>A on the coding strand, the complement: CYP7A1 is on the minus strand). VCF-style: chr8-58500074-C-T. GRCh37 (hg19) VCF-style: chr8-59412633-C-T.
Other names: c.25G>A (NM_000780.3); short protein forms G9R.
Identifiers: ClinVar variation 597579 (VCV000597579.7), dbSNP rs528066345, ClinGen allele CA4756912.